The following is an entry in ClinVar:

NM_001110556.2(FLNA):c.6219C>T (p.Arg2073=)

Gene: FLNA (filamin A; minus strand). Cytogenetic location: Xq28.
Variant type: single nucleotide variant.
Coding change: c.6219C>T on transcript NM_001110556.2 (MANE Select); coding-DNA position 6219, C replaced by T.
Protein change: p.Arg2073=; no amino-acid change (arginine 2073 retained).
Molecular consequence: synonymous variant.
Genome position (GRCh38, 1-based): chrX:154,353,008, G>A on the plus strand (C>T on the coding strand, the complement: FLNA is on the minus strand). VCF-style: chrX-154353008-G-A. GRCh37 (hg19) VCF-style: chrX-153581376-G-A.
Other names: c.6219C>T (NM_001110556.1); c.6195C>T, p.Arg2065= (NM_001456.4).
Identifiers: ClinVar variation 465009 (VCV000465009.19), dbSNP rs782365685, ClinGen allele CA10560148.

ClinVar aggregate classification (germline): Likely benign. Review status: criteria provided, multiple submitters, no conflicts (2 of 4 stars). 5 submissions from 5 submitters: Likely benign (4). 1 of the submissions does not count toward it. Last evaluated 2026-01-13.

Conditions:
Oto-palato-digital syndrome, type II (OPD2). Also called: FACIOPALATOOSSEOUS SYNDROME; Otopalatodigital Syndrome Type 2 (FLNA-OPD2); OPD II SYNDROME; Otopalatodigital Syndrome, Type II. Identifiers: Orphanet 669, Orphanet 90652, MedGen C1844696, MONDO:0010571, OMIM 304120.
Frontometaphyseal dysplasia (FMD1). Identifiers: Orphanet 1826, MedGen C0265293, MONDO:0015942.
Melnick-Needles syndrome (MNS). Also called: Melnick-Needles Syndrome (FLNA-MNS); MELNICK-NEEDLES OSTEODYSPLASTY; OSTEODYSPLASTY OF MELNICK AND NEEDLES. Identifiers: Orphanet 2484, MedGen C0025237, MONDO:0010650, OMIM 309350.
Heterotopia, periventricular, X-linked dominant (PVNH1). Also called: PERIVENTRICULAR NODULAR HETEROTOPIA 1; X-linked periventricular heterotopia; PERIVENTRICULAR NODULAR HETEROTOPIA 4; HETEROTOPIA, PERIVENTRICULAR, 1. Identifiers: Orphanet 2149, Orphanet 82004, MedGen C1848213, MONDO:0010233, OMIM 300049.
Familial thoracic aortic aneurysm and aortic dissection (TAAD). Also called: Thoracic aortic aneurysms and dissections. Identifiers: Orphanet 91387, MedGen C4707243, MONDO:0019625.
FLNA-related disorder.

Allele frequency attached by ClinVar (database versions not stated): TOPMed 0.00002; gnomAD 0.00003 and 0.00004; ExAC 0.00005; gnomAD exomes 0.00006.
gnomAD v4.1: 29 of 1,210,007 alleles (0.0024%); highest among the groups gnomAD compares: Admixed American, 0.03%; no homozygotes.

Submissions (5):

Labcorp Genetics (formerly Invitae), Labcorp
Classification: Likely benign for Oto-palato-digital syndrome, type II; Heterotopia, periventricular, X-linked dominant; Frontometaphyseal dysplasia; Melnick-Needles syndrome. Last evaluated: 2026-01-13. Review status: criteria provided, single submitter. Criteria: Invitae Variant Classification Sherloc (09022015). Collection method: clinical testing. Allele origin: germline.

Blueprint Genetics
Classification: Likely benign. Last evaluated: 2023-01-11. Review status: criteria provided, single submitter. Criteria: ACMG Guidelines, 2015. Collection method: clinical testing. Allele origin: germline.

GeneDx
Classification: Likely benign. Last evaluated: 2020-04-06. Review status: criteria provided, single submitter. Criteria: GeneDx Variant Classification Process June 2021. Collection method: clinical testing. Allele origin: germline. Affected: yes.

Ambry Genetics
Classification: Likely benign for Familial thoracic aortic aneurysm and aortic dissection. Last evaluated: 2019-06-17. Review status: criteria provided, single submitter. Criteria: Ambry Variant Classification Scheme 2023. Collection method: clinical testing. Allele origin: germline.

PreventionGenetics, part of Exact Sciences
Classification: Likely benign for FLNA-related condition. Last evaluated: 2023-03-06. Review status: no assertion criteria provided. Collection method: clinical testing. Allele origin: germline. Not counted in ClinVar's aggregate classification.
Comment: This variant is classified as likely benign based on ACMG/AMP sequence variant interpretation guidelines (Richards et al. 2015 PMID: 25741868, with internal and published modifications).